The following is an entry in ClinVar:

ClinVar aggregate classification (germline): Pathogenic/Likely pathogenic. Review status: criteria provided, multiple submitters, no conflicts (2 of 4 stars). 11 submissions from 11 submitters: Pathogenic (5); Likely pathogenic (2). 4 of the submissions do not count toward it. Last evaluated 2026-09-24.

Conditions:
CRX-related disorders.
Retinal dystrophy. Also called: Inherited retinal dystrophy. Identifiers: Orphanet 71862, MedGen C0854723, MeSH D058499, MONDO:0019118, HP:0000556.
Leber congenital amaurosis 7 (LCA7). Identifiers: Orphanet 65, MedGen C3151192, MONDO:0013449, OMIM 613829.
Cone-rod dystrophy 2 (CORD2). Also called: CONE-ROD RETINAL DYSTROPHY; Cone-rod retinal dystrophy 2. Identifiers: Orphanet 1872, MedGen C3489532, MONDO:0007362, OMIM 120970.
Leber congenital amaurosis 3 (LCA3). Also called: SPATA7-Related Retinitis Pigmentosa. Identifiers: MedGen C1858677, MONDO:0011415, OMIM 604232.
Retinal disorder. Also called: Retinopathies; Retinal Diseases; Retinal disorders; Retinopathy. Identifiers: MedGen C0035309, MONDO:0005283, HP:0000488.

Allele frequency attached by ClinVar (database versions not stated): gnomAD 0.00002; TOPMed 0.00001.
gnomAD v4.1: 13 of 1,613,332 alleles (0.00081%); highest among the groups gnomAD compares: African/African-American, 0.0027%; no homozygotes.

Submissions (11):

GeneDx
Classification: Likely pathogenic. Last evaluated: 2026-09-24. Review status: criteria provided, single submitter. Criteria: GeneDx Variant Classification Process June 2021. Collection method: clinical testing. Allele origin: germline.
Comment: Observed in the heterozygous state in patients with adult onset cone-rod dystrophy or macular dystrophy in published literature (PMID: 32533067, 9931337, 32689858, 39128788); Published functional studies demonstrate a damaging effect: significant reduction in protein function, loss of DNA binding affinity, change in specificity, and chromatin remodeling defects (PMID: 27013732, 9931337, 39715683); In silico analysis supports that this missense variant has a deleterious effect on protein structure/function; This variant is associated with the following publications: (PMID: 34426522, 24516401, 27013732, 11971869, 10887186, 9931337, 22113834, 31626798, 31054281, 32689858, 26324254, 39779847, 38355306, 39322280, 10967037, 37963072, 39715683, Knox 2024[Abstract], 31964843, 30926958, 38219857, 39128788, 38465142, 32533067, 40074530)

Genetics Laboratory, Great Ormond Street Hospital NHS Foundation Trust, North Thames Genomic Laboratory Hub
Classification: Likely pathogenic for Retinal disorders. Last evaluated: 2026-06-15. Review status: criteria provided, single submitter. Criteria: ACGS Best Practice Guidelines for Variant Classification in Rare Disease 2024 v1.2. Collection method: clinical testing. Allele origin: germline. Affected: yes.
Comment: PS4_moderate, PM2_moderate, PP3_supporting, PS3_moderate, PM3_supporting

Medical Molecular Genetics Department, National Research Center
Classification: Pathogenic for Leber congenital amaurosis 3. Last evaluated: 2026-03-01. Review status: criteria provided, single submitter. Criteria: ACMG Guidelines, 2015. Collection method: research. Allele origin: germline. Affected: yes. Observed: 1 variant allele.
Comment: CRX c.268C>T (p.Arg90Trp): Recurrent homeodomain missense variant. Multiple literature reports (PMID:9931337 and others). Strong literature support. Classified Pathogenic (PM1,PM2,PM3,PP5)

Labcorp Genetics (formerly Invitae), Labcorp
Classification: Pathogenic for Cone-rod dystrophy 2; Leber congenital amaurosis 7. Last evaluated: 2026-01-18. Review status: criteria provided, single submitter. Criteria: Invitae Variant Classification Sherloc (09022015). Collection method: clinical testing. Allele origin: germline.
Comment: This sequence change replaces arginine, which is basic and polar, with tryptophan, which is neutral and slightly polar, at codon 90 of the CRX protein (p.Arg90Trp). This variant is present in population databases (rs104894673, gnomAD 0.01%). This missense change has been observed in individuals with clinical features of CRX-related conditions (PMID: 9931337; internal data). ClinVar contains an entry for this variant (Variation ID: 7422). Invitae Evidence Modeling of protein sequence and biophysical properties (such as structural, functional, and spatial information, amino acid conservation, physicochemical variation, residue mobility, and thermodynamic stability) indicates that this missense variant is expected to disrupt CRX protein function with a positive predictive value of 95%. Experimental studies have shown that this missense change affects CRX function (PMID: 9931337, 11971869, 24516401). For these reasons, this variant has been classified as Pathogenic.

Dasa
Classification: Pathogenic. Last evaluated: 2025-02-25. Review status: criteria provided, single submitter. Criteria: DASA Assertion Criteria. Collection method: clinical testing. Allele origin: germline.
Comment: NM_000554.6(CRX):c.268C>T (p.Arg90Trp) is a missense variant that results in the substitution of arginine with tryptophan. The affected residue or protein region has prior evidence supporting clinical relevance. Segregation evidence has been reported in affected families. This variant has been recurrently observed in affected individuals with related phenotype in a genotype context consistent with recessive disease (PMID: 9931337; PMID: 11971869; PMID: 24516401; PMID: 32689858; PMID: 32533067). Functional evidence supports a deleterious effect on the gene or gene product (PMID: 9931337; PMID: 11971869; PMID: 24516401; PMID: 32689858; PMID: 32533067). Multiple computational predictions support a deleterious effect on the gene or gene product. The variant is present at low frequency in population datasets. Based on the available data, this variant is classified as pathogenic.

Blueprint Genetics
Classification: Pathogenic for CRX-related disorders. Last evaluated: 2022-04-12. Review status: criteria provided, single submitter. Criteria: ACMG Guidelines, 2015. Collection method: clinical testing. Allele origin: germline. Affected: yes. Observed: 5 variant alleles.

Pediatric/Medical Genetics, Ministry of Health, Qatif Central Hospital
Classification: Pathogenic for Leber congenital amaurosis 7. Last evaluated: 2021-08-20. Review status: criteria provided, single submitter. Criteria: ACMG Guidelines, 2015. Collection method: clinical testing. Allele origin: germline. Inheritance: Autosomal recessive inheritance. Affected: yes. Observed: 1 homozygote.

OMIM
Classification: Pathogenic for LEBER CONGENITAL AMAUROSIS 7. Last evaluated: 1999-02-01. Review status: no assertion criteria provided. Collection method: literature only. Allele origin: germline. Not counted in ClinVar's aggregate classification.

Laboratory of Genetics in Ophthalmology, Institut Imagine
Classification: Pathogenic for Leber congenital amaurosis 7. Review status: no assertion criteria provided. Collection method: research. Allele origin: inherited. Affected: yes. Observed: 1 variant allele. Not counted in ClinVar's aggregate classification.

Retina International
No classification provided. Review status: no classification provided. Collection method: not provided. Allele origin: unknown. Not counted in ClinVar's aggregate classification.

Dept Of Ophthalmology, Nagoya University
Classification: Uncertain significance for Retinal dystrophy. Last evaluated: 2023-10-01. Review status: flagged submission. Criteria: Submitter's publication. Collection method: research. Allele origin: germline. Affected: yes. Not counted in ClinVar's aggregate classification.
ClinVar note: Reason: Outlier claim with insufficient supporting evidence

Literature cited by the submitters: PubMed 9931337 (cited by 5 submitters); PubMed 31626798 (cited by Medical Molecular Genetics Department, National Research Center); PubMed 32689858 (cited by Medical Molecular Genetics Department, National Research Center and Dasa); PubMed 38355306 (cited by Medical Molecular Genetics Department, National Research Center); PubMed 11971869 (cited by Labcorp Genetics (formerly Invitae), Labcorp and Dasa); PubMed 24516401 (cited by Labcorp Genetics (formerly Invitae), Labcorp and Dasa); PubMed 32533067 (cited by Dasa).

NM_000554.6(CRX):c.268C>T (p.Arg90Trp)

Gene: CRX (cone-rod homeobox; plus strand). Cytogenetic location: 19q13.33.
Variant type: single nucleotide variant.
Coding change: c.268C>T on transcript NM_000554.6 (MANE Select); coding-DNA position 268, C replaced by T.
Protein change: p.Arg90Trp; replaces arginine 90 with tryptophan.
Molecular consequence: missense variant.
Genome position (GRCh38, 1-based): chr19:47,839,335, C>T. VCF-style: chr19-47839335-C-T. GRCh37 (hg19) VCF-style: chr19-48342592-C-T.
Other names: P39L; short protein forms R90W.
Identifiers: ClinVar variation 7422 (VCV000007422.21), dbSNP rs104894673, ClinGen allele CA118792.